The following is an entry in ClinVar:

ClinVar aggregate classification (germline): Uncertain significance (1 of 4 stars; one submission).

Conditions:
Hereditary cancer-predisposing syndrome. Also called: Neoplastic Syndromes, Hereditary; Hereditary Cancer Syndrome; Hereditary neoplastic syndrome; Tumor predisposition. Identifiers: Orphanet 140162, MedGen C0027672, MeSH D009386, MONDO:0015356.

Submission:

Ambry Genetics
Classification: Uncertain significance for Hereditary cancer-predisposing syndrome. Last evaluated: 2023-03-23. Review status: criteria provided, single submitter. Criteria: Ambry Variant Classification Scheme 2023. Collection method: clinical testing. Allele origin: germline.
Comment: The c.-4G>A variant is located in the 5' untranslated region (5&rsquo; UTR) of the BLM gene. This variant results from a G to A substitution 4 bases upstream from the first translated codon. This nucleotide position is well conserved in available vertebrate species. Since supporting evidence is limited at this time, the clinical significance of this alteration remains unclear.

NM_000057.4(BLM):c.-4G>A

Gene: BLM (BLM RecQ like helicase; plus strand). Cytogenetic location: 15q26.1.
Variant type: single nucleotide variant.
Coding change: c.-4G>A on transcript NM_000057.4 (MANE Select); 4 bases upstream of the start codon, G replaced by A.
Molecular consequence: 5 prime UTR variant.
Genome position (GRCh38, 1-based): chr15:90,747,389, G>A. VCF-style: chr15-90747389-G-A. GRCh37 (hg19) VCF-style: chr15-91290619-G-A.
Other names: c.-4G>A (NM_001287246.2, NM_001287247.2); c.-1295G>A (NM_001287248.2).
Identifiers: ClinVar variation 2562335 (VCV002562335.2), dbSNP rs2505384627, ClinGen allele CA2575835713.
Genomic context (GRCh38, chr15:90,747,389, plus strand): 5'-AACATTGTGATTAATGCAAAGTACCTAACTCCACTGATTTCTTTTTCCCTCACTTTTTAG[G>A]ATTATGGCTGCTGTTCCTCAAAATAATCTACAGGAGCAACTAGAACGTCACTCAGCCAGA-3'